The following is an entry in ClinVar:

NM_020921.4(NIN):c.259G>A (p.Glu87Lys)

Gene: NIN (ninein; minus strand). Cytogenetic location: 14q22.1.
Variant type: single nucleotide variant.
Coding change: c.259G>A on transcript NM_020921.4 (MANE Select); coding-DNA position 259, G replaced by A.
Protein change: p.Glu87Lys; replaces glutamic acid 87 with lysine.
Molecular consequence: missense variant.
Genome position (GRCh38, 1-based): chr14:50,806,743, C>T on the plus strand (G>A on the coding strand, the complement: NIN is on the minus strand). VCF-style: chr14-50806743-C-T. GRCh37 (hg19) VCF-style: chr14-51273461-C-T.
Other names: c.259G>A, p.Glu87Lys (NM_016350.5, NM_182944.3, NM_182946.2); short protein forms E87K.
Identifiers: ClinVar variation 2482286 (VCV002482286.4), dbSNP rs745467220, ClinGen allele CA7182547.

ClinVar aggregate classification (germline): Uncertain significance. Review status: criteria provided, multiple submitters, no conflicts (2 of 4 stars). 2 submissions from 2 submitters: Uncertain significance (2). Last evaluated 2024-08-06.

Allele frequency attached by ClinVar (database versions not stated): gnomAD exomes 0.00001; TOPMed 0.00002; gnomAD 0.00003; ExAC 0.00004.
gnomAD v4.1: 22 of 1,574,048 alleles (0.0014%); highest among the groups gnomAD compares: East Asian, 0.05%; no homozygotes.

Submissions (2):

Labcorp Genetics (formerly Invitae), Labcorp
Classification: Uncertain significance. Last evaluated: 2024-08-06. Review status: criteria provided, single submitter. Criteria: Invitae Variant Classification Sherloc (09022015). Collection method: clinical testing. Allele origin: germline.
Comment: This sequence change replaces glutamic acid, which is acidic and polar, with lysine, which is basic and polar, at codon 87 of the NIN protein (p.Glu87Lys). This variant is present in population databases (rs745467220, gnomAD 0.1%), and has an allele count higher than expected for a pathogenic variant. This variant has not been reported in the literature in individuals affected with NIN-related conditions. ClinVar contains an entry for this variant (Variation ID: 2482286). An algorithm developed to predict the effect of missense changes on protein structure and function (PolyPhen-2) suggests that this variant is likely to be disruptive. In summary, the available evidence is currently insufficient to determine the role of this variant in disease. Therefore, it has been classified as a Variant of Uncertain Significance.

Ambry Genetics
Classification: Uncertain significance. Last evaluated: 2023-02-07. Review status: criteria provided, single submitter. Criteria: Ambry Variant Classification Scheme 2023. Collection method: clinical testing. Allele origin: germline.